The following is an entry in ClinVar:

ClinVar aggregate classification (germline): Pathogenic (1 of 4 stars; one submission).

Conditions:
Primary ciliary dyskinesia 30. Also called: CILIARY DYSKINESIA, PRIMARY, 30, WITH OR WITHOUT SITUS INVERSUS. Identifiers: Orphanet 244, MedGen C4015016, MONDO:0014465, OMIM 616037.

Allele frequency attached by ClinVar (database versions not stated): ExAC 0.00001; gnomAD 0.00001; TOPMed 0.00001; gnomAD exomes 0.00009.

Submission:

Labcorp Genetics (formerly Invitae), Labcorp
Classification: Pathogenic for Primary ciliary dyskinesia 30. Last evaluated: 2022-12-02. Review status: criteria provided, single submitter. Criteria: Invitae Variant Classification Sherloc (09022015). Collection method: clinical testing. Allele origin: germline.
Comment: This variant is present in population databases (rs761781827, gnomAD 0.003%). This sequence change creates a premature translational stop signal (p.Leu313Argfs*56) in the CCDC151 gene. It is expected to result in an absent or disrupted protein product. Loss-of-function variants in CCDC151 are known to be pathogenic (PMID: 25192045). This variant has not been reported in the literature in individuals affected with CCDC151-related conditions. For these reasons, this variant has been classified as Pathogenic.

Literature cited by the submitters: PubMed 25192045.

NM_145045.5(ODAD3):c.938_939del (p.Leu313fs)

Gene: ODAD3 (outer dynein arm docking complex subunit 3; minus strand). Cytogenetic location: 19p13.2.
Variant type: Deletion.
Coding change: c.938_939del on transcript NM_145045.5 (MANE Select); coding-DNA positions 938 to 939, 2 bases deleted (TG; older notation c.938_939delTG).
Protein change: p.Leu313fs; shifts the reading frame from leucine 313.
Molecular consequence: frameshift variant.
Genome position (GRCh38, 1-based): chr19:11,426,168-11,426,169, CA deleted on the plus strand (TG on the coding strand, the reverse complement: ODAD3 is on the minus strand). VCF-style (leftmost placement, unchanged base first): chr19-11426167-CCA-C. GRCh37 (hg19) VCF-style: chr19-11536987-CCA-C.
Other names: c.776_777del, p.Leu259fs (NM_001302453.1); c.758_759del, p.Leu253fs (NM_001302454.2); short protein forms L313fs, L253fs, L259fs.
Identifiers: ClinVar variation 2140004 (VCV002140004.4), dbSNP rs761781827, ClinGen allele CA9212207.
Genomic context (GRCh38, chr19:11,426,167, plus strand): 5'-GCTGGAGTCACAGGCGCGCACCCCTGGGTGCGCCCACCTTGCGCTCCATGCGCTCGTTCT[CCA>C]GTTTCTTCTCCTCGGCGCGCTTCTTGCACTCACTTATGTAGCGTTCCCGCTTCTTGCGCT-3'